The following is an entry in ClinVar:

ClinVar aggregate classification (germline): Benign. Review status: criteria provided, multiple submitters, no conflicts (2 of 4 stars). 2 submissions from 2 submitters: Benign (2). Last evaluated 2018-06-14.

Allele frequency attached by ClinVar (database versions not stated): gnomAD exomes 0.03282; gnomAD 0.05409 and 0.05500; TOPMed 0.05735; 1000 Genomes Project 0.06170; 1000 Genomes Project 30x 0.06184.
gnomAD v4.1: 33,581 of 919,346 alleles (3.7%); highest among the groups gnomAD compares: African/African-American, 12%; 964 homozygotes.

Submissions (2):

GeneDx
Classification: Benign. Last evaluated: 2018-06-14. Review status: criteria provided, single submitter. Criteria: GeneDx Variant Classification (06012015). Collection method: clinical testing. Allele origin: germline. Affected: yes.
Comment: This variant is considered likely benign or benign based on one or more of the following criteria: it is a conservative change, it occurs at a poorly conserved position in the protein, it is predicted to be benign by multiple in silico algorithms, and/or has population frequency not consistent with disease.

Breakthrough Genomics
Classification: Benign. Review status: criteria provided, single submitter. Criteria: ACMG Guidelines, 2015. Collection method: not provided. Allele origin: germline. Inheritance: Autosomal recessive inheritance. Affected: yes.

NM_001130987.2(DYSF):c.1577-103G>A

Gene: DYSF (dysferlin; plus strand). Cytogenetic location: 2p13.2.
Variant type: single nucleotide variant.
Coding change: c.1577-103G>A on transcript NM_001130987.2 (MANE Select); 103 bases into the intron before coding-DNA position 1577, G replaced by A.
Molecular consequence: intron variant.
Genome position (GRCh38, 1-based): chr2:71,550,938, G>A. VCF-style: chr2-71550938-G-A. GRCh37 (hg19) VCF-style: chr2-71778068-G-A.
Other names: c.1616-103G>A (NM_001130979.2); c.1574-103G>A (NM_001130981.2, NM_001130980.2); c.1523-103G>A (NM_001130978.2, NM_003494.4); c.1481-103G>A (NM_001130977.2, NM_001130976.2); c.1619-103G>A (NM_001130982.2); c.1577-103G>A (NM_001130985.2); c.1526-103G>A (NM_001130983.2, NM_001130455.2); c.1484-103G>A (NM_001130984.2, NM_001130986.2).
Identifiers: ClinVar variation 677323 (VCV000677323.2), dbSNP rs2303592, ClinGen allele CA49792721.